The following is an entry in ClinVar:

NM_032447.5(FBN3):c.3562A>C (p.Met1188Leu)

Gene: FBN3 (fibrillin 3; minus strand). Cytogenetic location: 19p13.2.
Variant type: single nucleotide variant.
Coding change: c.3562A>C on transcript NM_032447.5 (MANE Select); coding-DNA position 3562, A replaced by C.
Protein change: p.Met1188Leu; replaces methionine 1188 with leucine.
Molecular consequence: missense variant.
Genome position (GRCh38, 1-based): chr19:8,117,193, T>G on the plus strand (A>C on the coding strand, the complement: FBN3 is on the minus strand). VCF-style: chr19-8117193-T-G. GRCh37 (hg19) VCF-style: chr19-8182077-T-G.
Other names: c.3562A>C, p.Met1188Leu (NM_001321431.2); short protein forms M1188L.
Identifiers: ClinVar variation 2958799 (VCV002958799.3), dbSNP rs1486358090, ClinGen allele CA403685213.

ClinVar aggregate classification (germline): Uncertain significance (1 of 4 stars; one submission).

Allele frequency attached by ClinVar (database versions not stated): TOPMed below 0.00001; gnomAD 0.00001.

Submission:

Labcorp Genetics (formerly Invitae), Labcorp
Classification: Uncertain significance. Last evaluated: 2025-06-12. Review status: criteria provided, single submitter. Criteria: Invitae Variant Classification Sherloc (09022015). Collection method: clinical testing. Allele origin: germline.
Comment: This sequence change replaces methionine, which is neutral and non-polar, with leucine, which is neutral and non-polar, at codon 1188 of the FBN3 protein (p.Met1188Leu). This variant is present in population databases (no rsID available, gnomAD 0.01%). This variant has not been reported in the literature in individuals affected with FBN3-related conditions. ClinVar contains an entry for this variant (Variation ID: 2958799). Invitae Evidence Modeling of protein sequence and biophysical properties (such as structural, functional, and spatial information, amino acid conservation, physicochemical variation, residue mobility, and thermodynamic stability) indicates that this missense variant is not expected to disrupt FBN3 protein function with a negative predictive value of 80%. In summary, the available evidence is currently insufficient to determine the role of this variant in disease. Therefore, it has been classified as a Variant of Uncertain Significance.